The following is an entry in ClinVar:

NM_001166114.2(PNPLA6):c.3961G>A (p.Asp1321Asn)

Gene: PNPLA6 (patatin like domain 6, lysophospholipase; plus strand). Cytogenetic location: 19p13.2.
Variant type: single nucleotide variant.
Coding change: c.3961G>A on transcript NM_001166114.2 (MANE Select); coding-DNA position 3961, G replaced by A.
Protein change: p.Asp1321Asn; replaces aspartic acid 1321 with asparagine.
Molecular consequence: missense variant.
Genome position (GRCh38, 1-based): chr19:7,561,255, G>A. VCF-style: chr19-7561255-G-A. GRCh37 (hg19) VCF-style: chr19-7626141-G-A.
Other names: c.3991G>A, p.Asp1331Asn (NM_001166111.2); c.3766G>A, p.Asp1256Asn (NM_001166112.2); c.3847G>A, p.Asp1283Asn (NM_001166113.1, NM_006702.5); short protein forms D1256N, D1283N, D1321N, D1331N.
Identifiers: ClinVar variation 1344478 (VCV001344478.6), dbSNP rs144558473, ClinGen allele CA9140653.

ClinVar aggregate classification (germline): Uncertain significance. Review status: criteria provided, multiple submitters, no conflicts (2 of 4 stars). 2 submissions from 2 submitters: Uncertain significance (2). Last evaluated 2022-07-29.

Conditions:
Hereditary spastic paraplegia. Also called: Familial spastic paraparesis. Identifiers: Orphanet 685, MedGen C0037773, MONDO:0019064. Disease mechanism: loss of function.
Hereditary spastic paraplegia 39 (SPG39). Also called: SPASTIC PARAPLEGIA 39, AUTOSOMAL RECESSIVE; Spastic Paraplegia Type 39 (SPG39). Identifiers: Orphanet 139480, MedGen C2677586, MONDO:0012787, OMIM 612020.

Allele frequency attached by ClinVar (database versions not stated): gnomAD 0.00001; TOPMed 0.00001; ExAC 0.00002; ESP Exome Variant Server 0.00008.
gnomAD v4.1: 9 of 1,610,794 alleles (0.00056%); highest among the groups gnomAD compares: Admixed American, 0.0017%; no homozygotes.

Submissions (2):

Labcorp Genetics (formerly Invitae), Labcorp
Classification: Uncertain significance for Hereditary spastic paraplegia 39. Last evaluated: 2022-07-29. Review status: criteria provided, single submitter. Criteria: Invitae Variant Classification Sherloc (09022015). Collection method: clinical testing. Allele origin: germline.
Comment: This sequence change replaces aspartic acid, which is acidic and polar, with asparagine, which is neutral and polar, at codon 1283 of the PNPLA6 protein (p.Asp1283Asn). The frequency data for this variant in the population databases is considered unreliable, as metrics indicate poor data quality at this position in the gnomAD database. This missense change has been observed in individual(s) with PNPLA6-related conditions (PMID: 26995604). ClinVar contains an entry for this variant (Variation ID: 1344478). Algorithms developed to predict the effect of missense changes on protein structure and function (SIFT, PolyPhen-2, Align-GVGD) all suggest that this variant is likely to be tolerated. In summary, the available evidence is currently insufficient to determine the role of this variant in disease. Therefore, it has been classified as a Variant of Uncertain Significance.

Genome Diagnostics Laboratory, The Hospital for Sick Children
Classification: Uncertain significance for Hereditary spastic paraplegia. Last evaluated: 2018-04-01. Review status: criteria provided, single submitter. Criteria: ACMG Guidelines, 2015. Collection method: clinical testing. Allele origin: germline. Affected: yes.

Literature cited by the submitters: PubMed 26995604 (cited by Labcorp Genetics (formerly Invitae), Labcorp).